The following is an entry in ClinVar:

ClinVar aggregate classification (germline): Benign (1 of 4 stars; one submission).

Allele frequency attached by ClinVar (database versions not stated): 1000 Genomes Project 0.20946; gnomAD 0.20967 and 0.21140; 1000 Genomes Project 30x 0.21455; TOPMed 0.22429.
gnomAD v4.1: 31,890 of 152,148 alleles (21%); highest among the groups gnomAD compares: Admixed American, 37%; 3,811 homozygotes.

Submission:

GeneDx
Classification: Benign. Last evaluated: 2018-06-14. Review status: criteria provided, single submitter. Criteria: GeneDx Variant Classification (06012015). Collection method: clinical testing. Allele origin: germline. Affected: yes.
Comment: This variant is considered likely benign or benign based on one or more of the following criteria: it is a conservative change, it occurs at a poorly conserved position in the protein, it is predicted to be benign by multiple in silico algorithms, and/or has population frequency not consistent with disease.

NM_000026.4(ADSL):c.153+206C>T

Gene: ADSL (adenylosuccinate lyase; plus strand). Cytogenetic location: 22q13.1.
Variant type: single nucleotide variant.
Coding change: c.153+206C>T on transcript NM_000026.4 (MANE Select); 206 bases into the intron after coding-DNA position 153, C replaced by T.
Molecular consequence: intron variant.
Genome position (GRCh38, 1-based): chr22:40,346,917, C>T. VCF-style: chr22-40346917-C-T. GRCh37 (hg19) VCF-style: chr22-40742921-C-T.
Other names: c.153+206C>T (NM_001363840.3, NM_001123378.3); c.-40+261C>T (NM_001317923.2).
Identifiers: ClinVar variation 679274 (VCV000679274.1), dbSNP rs3788578, ClinGen allele CA14960042.